The following is an entry in ClinVar:

NM_000142.5(FGFR3):c.1271C>T (p.Ser424Phe)

Gene: FGFR3 (fibroblast growth factor receptor 3; plus strand). Cytogenetic location: 4p16.3.
Variant type: single nucleotide variant.
Coding change: c.1271C>T on transcript NM_000142.5 (MANE Select); coding-DNA position 1271, C replaced by T.
Protein change: p.Ser424Phe; replaces serine 424 with phenylalanine.
Molecular consequence: missense variant. On other transcripts: non-coding transcript variant (1).
Genome position (GRCh38, 1-based): chr4:1,804,828, C>T. VCF-style: chr4-1804828-C-T. GRCh37 (hg19) VCF-style: chr4-1806555-C-T.
Other names: c.1277C>T, p.Ser426Phe (NM_001163213.2); c.1274C>T, p.Ser425Phe (NM_001354809.2, NM_001354810.2); c.935C>T, p.Ser312Phe (NM_022965.4); short protein forms S312F, S426F, S424F, S425F.
Identifiers: ClinVar variation 3719243 (VCV003719243.2).

ClinVar aggregate classification (germline): Uncertain significance (1 of 4 stars; one submission).

gnomAD v4.1: 20 of 1,549,638 alleles (0.0013%); highest among the groups gnomAD compares: South Asian, 0.0024%; no homozygotes.

Submission:

Labcorp Genetics (formerly Invitae), Labcorp
Classification: Uncertain significance. Last evaluated: 2025-04-26. Review status: criteria provided, single submitter. Criteria: Invitae Variant Classification Sherloc (09022015). Collection method: clinical testing. Allele origin: germline.
Comment: This sequence change replaces serine, which is neutral and polar, with phenylalanine, which is neutral and non-polar, at codon 424 of the FGFR3 protein (p.Ser424Phe). This variant is present in population databases (no rsID available, gnomAD 0.004%). This variant has not been reported in the literature in individuals affected with FGFR3-related conditions. ClinVar contains an entry for this variant (Variation ID: 3719243). Invitae Evidence Modeling of protein sequence and biophysical properties (such as structural, functional, and spatial information, amino acid conservation, physicochemical variation, residue mobility, and thermodynamic stability) has been performed for this missense variant. However, the output from this modeling did not meet the statistical confidence thresholds required to predict the impact of this variant on FGFR3 protein function. In summary, the available evidence is currently insufficient to determine the role of this variant in disease. Therefore, it has been classified as a Variant of Uncertain Significance.